The following is an entry in ClinVar:

NM_000478.6(ALPL):c.917A>T (p.Asp306Val)

Gene: ALPL (alkaline phosphatase, biomineralization associated; plus strand). Cytogenetic location: 1p36.12.
Variant type: single nucleotide variant.
Coding change: c.917A>T on transcript NM_000478.6 (MANE Select); coding-DNA position 917, A replaced by T.
Protein change: p.Asp306Val; replaces aspartic acid 306 with valine.
Molecular consequence: missense variant.
Genome position (GRCh38, 1-based): chr1:21,573,719, A>T. VCF-style: chr1-21573719-A-T. GRCh37 (hg19) VCF-style: chr1-21900212-A-T.
Other names: c.752A>T, p.Asp251Val (NM_001127501.4); c.686A>T, p.Asp229Val (NM_001177520.3); c.917A>T, p.Asp306Val (NM_001369803.2, NM_001369804.2, NM_001369805.2); short protein forms D229V, D251V, D306V.
Identifiers: ClinVar variation 3895919 (VCV003895919.2).

ClinVar aggregate classification (germline): Pathogenic. Review status: criteria provided, multiple submitters, no conflicts (2 of 4 stars). 2 submissions from 2 submitters: Pathogenic (2). Last evaluated 2025-08-29.

Conditions:
Hypophosphatasia. Also called: Phosphoethanol-aminuria. Identifiers: Orphanet 436, MedGen C0020630, MeSH D007014, MONDO:0018570.

Submissions (2):

Genomenon, Inc
Classification: Pathogenic for Hypophosphatasia. Last evaluated: 2025-08-29. Review status: criteria provided, single submitter. Criteria: Genomenon Sequence Variant Interpretation Standards. Collection method: curation. Allele origin: germline. Affected: yes.
Comment: ALPL c.917A>T is a missense variant that changes the amino acid at residue 306 from Aspartic acid to Valine. This variant has been observed in at least one proband affected with hypophosphatasia (PMID:36398383;10094560). At least one functional study has demonstrated a substantial alteration in protein function relative to the wild-type (PMID:12944372;21168482;32160374;18422967). This variant has been described as Asp289Val in the literature. It is absent or not present at a significant frequency in gnomAD. In silico models agree that this variant is possibly or probably damaging. In conclusion, we classify ALPL p.Asp306Val (c.917A>T) as a pathogenic variant.

Women's Health and Genetics/Laboratory Corporation of America, LabCorp
Classification: Pathogenic for Hypophosphatasia. Last evaluated: 2025-03-26. Review status: criteria provided, single submitter. Criteria: LabCorp Variant Classification Summary - May 2015. Collection method: clinical testing. Allele origin: germline.
Comment: Variant summary: ALPL c.917A>T (p.Asp306Val) results in a non-conservative amino acid change in the encoded protein sequence. Five of five in-silico tools predict a damaging effect of the variant on protein function. The variant was absent in 251212 control chromosomes. c.917A>T has been reported in the literature in mulitple individuals affected with Hypophosphatasia (e.g., Tallandier_1999, Kalayci_2022, delAngel_2020). These data indicate that the variant is likely to be associated with disease. At least two publications report experimental evidence evaluating an impact on protein function; the most pronounced variant effect results in <10% of normal activity (e.g., Ishida_2003, delAngel_2020). The following publications have been ascertained in the context of this evaluation (PMID: 12944372, 36398383, 10094560, 32160374). No submitters have cited clinical-significance assessments for this variant to ClinVar. Based on the evidence outlined above, the variant was classified as pathogenic.

Literature cited by the submitters: PubMed 36398383 (cited by Genomenon, Inc and Women's Health and Genetics/Laboratory Corporation of America, LabCorp); PubMed 10094560 (cited by Genomenon, Inc and Women's Health and Genetics/Laboratory Corporation of America, LabCorp); PubMed 12944372 (cited by Genomenon, Inc and Women's Health and Genetics/Laboratory Corporation of America, LabCorp); PubMed 21168482 (cited by Genomenon, Inc); PubMed 32160374 (cited by Genomenon, Inc and Women's Health and Genetics/Laboratory Corporation of America, LabCorp); PubMed 18422967 (cited by Genomenon, Inc).